The following is an entry in ClinVar:

ClinVar aggregate classification (germline): Uncertain significance. Review status: criteria provided, single submitter (1 of 4 stars). 2 submissions from 2 submitters: Uncertain significance (1). 1 of the submissions does not count toward it. Last evaluated 2025-05-13.

Conditions:
Autosomal recessive congenital ichthyosis 2 (ARCI2). Identifiers: Orphanet 281122, Orphanet 79394, MedGen C3888093, MONDO:0009439, OMIM 242100.

Allele frequency attached by ClinVar (database versions not stated): ExAC 0.00001; gnomAD exomes 0.00001.
gnomAD v4.1: 13 of 1,614,102 alleles (0.00081%); highest among the groups gnomAD compares: Non-Finnish European, 0.001%; no homozygotes.

Submissions (2):

Women's Health and Genetics/Laboratory Corporation of America, LabCorp
Classification: Uncertain significance. Last evaluated: 2025-05-13. Review status: criteria provided, single submitter. Criteria: LabCorp Variant Classification Summary - May 2015. Collection method: clinical testing. Allele origin: germline.
Comment: Variant summary: ALOX12B c.341G>A (p.Arg114Gln) results in a conservative amino acid change located in the Lipoxigenase domain (IPR036226) of the encoded protein sequence. Algorithms developed to predict the effect of missense changes on protein structure and function are either unavailable or do not agree on the potential impact of this missense change. The variant allele was found at a frequency of 8e-06 in 251320 control chromosomes. c.341G>A has been observed in individual(s) affected with autosomal recessive congenital ichthyoses and congenital diaphragmatic hernia (Hotz_2021, Qiao__2021). These data indicate that the variant may be associated with disease. To our knowledge, no experimental evidence demonstrating an impact on protein function has been reported. The following publications have been ascertained in the context of this evaluation (PMID: 33435499, 34547244). ClinVar contains an entry for this variant (Variation ID: 995488). Based on the evidence outlined above, the variant was classified as VUS-possibly pathogenic.

Institute for Human Genetics, University Medical Center Freiburg
Classification: Pathogenic for Autosomal recessive congenital ichthyosis 2. Last evaluated: 2021-01-07. Review status: no assertion criteria provided. Collection method: clinical testing. Allele origin: unknown. Affected: yes. Not counted in ClinVar's aggregate classification.

Literature cited by the submitters: PubMed 33435499 (cited by Women's Health and Genetics/Laboratory Corporation of America, LabCorp); PubMed 34547244 (cited by Women's Health and Genetics/Laboratory Corporation of America, LabCorp).

NM_001139.3(ALOX12B):c.341G>A (p.Arg114Gln)

Gene: ALOX12B (arachidonate 12-lipoxygenase, 12R type; minus strand). Cytogenetic location: 17p13.1.
Variant type: single nucleotide variant.
Coding change: c.341G>A on transcript NM_001139.3 (MANE Select); coding-DNA position 341, G replaced by A.
Protein change: p.Arg114Gln; replaces arginine 114 with glutamine.
Molecular consequence: missense variant.
Genome position (GRCh38, 1-based): chr17:8,086,027, C>T on the plus strand (G>A on the coding strand, the complement: ALOX12B is on the minus strand). VCF-style: chr17-8086027-C-T. GRCh37 (hg19) VCF-style: chr17-7989345-C-T.
Other names: short protein forms R114Q.
Identifiers: ClinVar variation 995488 (VCV000995488.3), dbSNP rs745541957, ClinGen allele CA8367710.